The following is an entry in ClinVar:

NM_001035.3(RYR2):c.6850G>A (p.Gly2284Ser)

Gene: RYR2 (ryanodine receptor 2; plus strand). Cytogenetic location: 1q43.
Variant type: single nucleotide variant.
Coding change: c.6850G>A on transcript NM_001035.3 (MANE Select); coding-DNA position 6850, G replaced by A.
Protein change: p.Gly2284Ser; replaces glycine 2284 with serine.
Molecular consequence: missense variant.
Genome position (GRCh38, 1-based): chr1:237,638,414, G>A. VCF-style: chr1-237638414-G-A. GRCh37 (hg19) VCF-style: chr1-237801714-G-A.
Other names: short protein forms G2284S.
Identifiers: ClinVar variation 3894513 (VCV003894513.1).

ClinVar aggregate classification (germline): Uncertain significance (1 of 4 stars; one submission).

Conditions:
Cardiomyopathy (CMYO). Also called: Cardiomyopathies. Identifiers: Orphanet 167848, MedGen C0878544, MONDO:0004994, HP:0001638. Inheritance: Various modes of inheritance.

gnomAD v4.1: 2 of 1,613,936 alleles (0.00012%); highest among the groups gnomAD compares: South Asian, 0.0022%; no homozygotes.

Submission:

Color Diagnostics, LLC DBA Color Health
Classification: Uncertain significance for Cardiomyopathy. Last evaluated: 2024-07-26. Review status: criteria provided, single submitter. Criteria: ACMG Guidelines, 2015. Collection method: clinical testing. Allele origin: germline.
Comment: This missense variant replaces glycine with serine at codon 2284 of the RYR2 protein. Computational prediction suggests that this variant may have deleterious impact on protein structure and function (internally defined REVEL score threshold >= 0.7, PMID: 27666373). To our knowledge, functional studies have not been reported for this variant. This variant has not been reported in individuals affected with RYR2-related disorders in the literature. This variant has been identified in 1/249274 chromosomes in the general population by the Genome Aggregation Database (gnomAD). The available evidence is insufficient to determine the role of this variant in disease conclusively. Therefore, this variant is classified as a Variant of Uncertain Significance.